The following is an entry in ClinVar:

ClinVar aggregate classification (germline): Conflicting classifications of pathogenicity. Review status: criteria provided, conflicting classifications (1 of 4 stars). 2 submissions from 2 submitters: Uncertain significance (1); Likely benign (1). Last evaluated 2024-01-11.

Conditions:
Heterotopia, periventricular, X-linked dominant (PVNH1). Also called: PERIVENTRICULAR NODULAR HETEROTOPIA 4; HETEROTOPIA, PERIVENTRICULAR, 1; PERIVENTRICULAR NODULAR HETEROTOPIA 1; X-linked periventricular heterotopia. Identifiers: Orphanet 2149, Orphanet 82004, MedGen C1848213, MONDO:0010233, OMIM 300049.
Melnick-Needles syndrome (MNS). Also called: Melnick-Needles Syndrome (FLNA-MNS); MELNICK-NEEDLES OSTEODYSPLASTY; OSTEODYSPLASTY OF MELNICK AND NEEDLES. Identifiers: Orphanet 2484, MedGen C0025237, MONDO:0010650, OMIM 309350.
Frontometaphyseal dysplasia (FMD1). Identifiers: Orphanet 1826, MedGen C0265293, MONDO:0015942.
Oto-palato-digital syndrome, type II (OPD2). Also called: Otopalatodigital Syndrome Type 2 (FLNA-OPD2); FACIOPALATOOSSEOUS SYNDROME; OPD II SYNDROME; Otopalatodigital Syndrome, Type II. Identifiers: Orphanet 669, Orphanet 90652, MedGen C1844696, MONDO:0010571, OMIM 304120.

Submissions (2):

Labcorp Genetics (formerly Invitae), Labcorp
Classification: Likely benign for Oto-palato-digital syndrome, type II; Heterotopia, periventricular, X-linked dominant; Frontometaphyseal dysplasia; Melnick-Needles syndrome. Last evaluated: 2024-01-11. Review status: criteria provided, single submitter. Criteria: Invitae Variant Classification Sherloc (09022015). Collection method: clinical testing. Allele origin: germline.

GeneDx
Classification: Uncertain significance. Last evaluated: 2022-06-02. Review status: criteria provided, single submitter. Criteria: GeneDx Variant Classification Process June 2021. Collection method: clinical testing. Allele origin: germline. Affected: yes.
Comment: In silico analysis supports that this missense variant has a deleterious effect on protein structure/function; Has not been previously published as pathogenic or benign to our knowledge

NM_001110556.2(FLNA):c.2800A>G (p.Thr934Ala)

Gene: FLNA (filamin A; minus strand). Cytogenetic location: Xq28.
Variant type: single nucleotide variant.
Coding change: c.2800A>G on transcript NM_001110556.2 (MANE Select); coding-DNA position 2800, A replaced by G.
Protein change: p.Thr934Ala; replaces threonine 934 with alanine.
Molecular consequence: missense variant.
Genome position (GRCh38, 1-based): chrX:154,362,005, T>C on the plus strand (A>G on the coding strand, the complement: FLNA is on the minus strand). VCF-style: chrX-154362005-T-C. GRCh37 (hg19) VCF-style: chrX-153590373-T-C.
Other names: c.2800A>G, p.Thr934Ala (NM_001456.4); short protein forms T934A.
Identifiers: ClinVar variation 1802125 (VCV001802125.6), dbSNP rs1557178130, ClinGen allele CA415232396.